The following is an entry in ClinVar:

ClinVar aggregate classification (germline): Uncertain significance (1 of 4 stars; one submission).

Conditions:
Hereditary pancreatitis (PCTT). Also called: Hereditary chronic pancreatitis; PRSS1-Related Hereditary Pancreatitis. Identifiers: Orphanet 676, MedGen C0238339, MONDO:0008185, OMIM 167800.

Submission:

Ambry Genetics
Classification: Uncertain significance for Hereditary pancreatitis. Last evaluated: 2024-07-05. Review status: criteria provided, single submitter. Criteria: Ambry Variant Classification Scheme 2023. Collection method: clinical testing. Allele origin: germline.
Comment: The p.N241K variant (also known as c.723C>A), located in coding exon 5 of the PRSS1 gene, results from a C to A substitution at nucleotide position 723. The asparagine at codon 241 is replaced by lysine, an amino acid with similar properties. This amino acid position is conserved. In addition, this alteration is predicted to be tolerated by in silico analysis. Based on the available evidence, the clinical significance of this variant remains unclear.

NM_002769.5(PRSS1):c.723C>A (p.Asn241Lys)

Genes: TRB (T cell receptor beta locus; plus strand), PRSS1 (serine protease 1; plus strand). Cytogenetic location: 7q34.
Variant type: single nucleotide variant.
Coding change: c.723C>A on transcript NM_002769.5 (MANE Select); coding-DNA position 723, C replaced by A.
Protein change: p.Asn241Lys; replaces asparagine 241 with lysine.
Molecular consequence: missense variant. On other transcripts: non-coding transcript variant (5).
Genome position (GRCh38, 1-based): chr7:142,752,999, C>A. VCF-style: chr7-142752999-C-A. GRCh37 (hg19) VCF-style: chr7-142460850-C-A.
Other names: short protein forms N241K.
Identifiers: ClinVar variation 3426304 (VCV003426304.1).